The following is an entry in ClinVar:

ClinVar aggregate classification (germline): Uncertain significance (1 of 4 stars; one submission).

Conditions:
Aortic aneurysm, familial thoracic 7 (AAT7). Also called: AORTIC DISSECTION, FAMILIAL, WITH OR WITHOUT AORTIC ANEURYSM. Identifiers: MedGen C3151077, MONDO:0013418, OMIM 613780.

gnomAD v4.1: 1 of 1,614,084 alleles (0.000062%); highest among the groups gnomAD compares: Non-Finnish European, 0.000085%; no homozygotes.

Submission:

Labcorp Genetics (formerly Invitae), Labcorp
Classification: Uncertain significance for Aortic aneurysm, familial thoracic 7. Last evaluated: 2025-06-29. Review status: criteria provided, single submitter. Criteria: Invitae Variant Classification Sherloc (09022015). Collection method: clinical testing. Allele origin: germline.
Comment: This sequence change replaces leucine, which is neutral and non-polar, with histidine, which is basic and polar, at codon 1781 of the MYLK protein (p.Leu1781His). This variant is not present in population databases (gnomAD no frequency). This variant has not been reported in the literature in individuals affected with MYLK-related conditions. Invitae Evidence Modeling of protein sequence and biophysical properties (such as structural, functional, and spatial information, amino acid conservation, physicochemical variation, residue mobility, and thermodynamic stability) indicates that this missense variant is not expected to disrupt MYLK protein function with a negative predictive value of 80%. In summary, the available evidence is currently insufficient to determine the role of this variant in disease. Therefore, it has been classified as a Variant of Uncertain Significance.

NM_053025.4(MYLK):c.5342T>A (p.Leu1781His)

Genes: MYLK (myosin light chain kinase; minus strand), MYLK-AS1 (MYLK antisense RNA 1; plus strand). Cytogenetic location: 3q21.1.
Variant type: single nucleotide variant.
Coding change: c.5342T>A on transcript NM_053025.4 (MANE Select); coding-DNA position 5342, T replaced by A.
Protein change: p.Leu1781His; replaces leucine 1781 with histidine.
Molecular consequence: missense variant.
Genome position (GRCh38, 1-based): chr3:123,620,233, A>T on the plus strand (T>A on the coding strand, the complement: MYLK is on the minus strand). VCF-style: chr3-123620233-A-T. GRCh37 (hg19) VCF-style: chr3-123339080-A-T.
Other names: c.4814T>A, p.Leu1605His (NM_001321309.2); c.62T>A, p.Leu21His (NM_001438035.1, NM_053031.4, NM_053032.4); c.5135T>A, p.Leu1712His (NM_053026.4); c.5189T>A, p.Leu1730His (NM_053027.4); c.4982T>A, p.Leu1661His (NM_053028.4); short protein forms L1605H, L1661H, L1712H, L1730H, L1781H, L21H.
Identifiers: ClinVar variation 4812023 (VCV004812023.1).